The following is an entry in ClinVar:

ClinVar aggregate classification (germline): Likely pathogenic (1 of 4 stars; one submission).

Conditions:
Retinitis pigmentosa 25 (RP25). Identifiers: Orphanet 791, MedGen C1864446, MONDO:0011272, OMIM 602772.

Submission:

Natera, Inc.
Classification: Likely pathogenic for Retinitis pigmentosa type 25. Last evaluated: 2024-12-09. Review status: criteria provided, single submitter. Criteria: Natera Variant Classification Schema (03/2026). Collection method: clinical testing. Allele origin: germline.
Comment: The c.5905C>T variant in EYS is a nonsense variant predicted to introduce a stop codon at amino acid 1969. This variant is expected to result in nonsense mediated decay, truncation, or a dysfunctional protein product. This variant is rare in the general population with a frequency below the threshold expected for the associated phenotype(s). Given the available evidence, this variant is classified as Likely Pathogenic.

NM_001142800.2(EYS):c.5905C>T (p.Gln1969Ter)

Gene: EYS (EGF-like photoreceptor maintenance factor; minus strand). Cytogenetic location: 6q12.
Variant type: single nucleotide variant.
Coding change: c.5905C>T on transcript NM_001142800.2 (MANE Select); coding-DNA position 5905, C replaced by T.
Protein change: p.Gln1969Ter; replaces glutamine 1969 with a stop codon.
Molecular consequence: nonsense.
Genome position (GRCh38, 1-based): chr6:64,436,196, G>A on the plus strand (C>T on the coding strand, the complement: EYS is on the minus strand). VCF-style: chr6-64436196-G-A. GRCh37 (hg19) VCF-style: chr6-65146089-G-A.
Other names: c.5905C>T, p.Gln1969Ter (NM_001292009.2); short protein forms Q1969*.
Identifiers: ClinVar variation 4814651 (VCV004814651.1).